The following is an entry in ClinVar:

NM_004958.4(MTOR):c.6923C>G (p.Pro2308Arg)

Gene: MTOR (mechanistic target of rapamycin kinase; minus strand). Cytogenetic location: 1p36.22.
Variant type: single nucleotide variant.
Coding change: c.6923C>G on transcript NM_004958.4 (MANE Select); coding-DNA position 6923, C replaced by G.
Protein change: p.Pro2308Arg; replaces proline 2308 with arginine.
Molecular consequence: missense variant.
Genome position (GRCh38, 1-based): chr1:11,121,256, G>C on the plus strand (C>G on the coding strand, the complement: MTOR is on the minus strand). VCF-style: chr1-11121256-G-C. GRCh37 (hg19) VCF-style: chr1-11181313-G-C.
Other names: c.6923C>G, p.Pro2308Arg (NM_001386500.1); c.5675C>G, p.Pro1892Arg (NM_001386501.1); short protein forms P2308R, P1892R.
Identifiers: ClinVar variation 2769242 (VCV002769242.3), dbSNP rs2100356488, ClinGen allele CA338384840.

ClinVar aggregate classification (germline): Uncertain significance (1 of 4 stars; one submission).

Submission:

Labcorp Genetics (formerly Invitae), Labcorp
Classification: Uncertain significance. Last evaluated: 2023-10-17. Review status: criteria provided, single submitter. Criteria: Invitae Variant Classification Sherloc (09022015). Collection method: clinical testing. Allele origin: germline.
Comment: This sequence change replaces proline, which is neutral and non-polar, with arginine, which is basic and polar, at codon 2308 of the MTOR protein (p.Pro2308Arg). This variant is not present in population databases (gnomAD no frequency). This variant has not been reported in the literature in individuals affected with MTOR-related conditions. Advanced modeling of protein sequence and biophysical properties (such as structural, functional, and spatial information, amino acid conservation, physicochemical variation, residue mobility, and thermodynamic stability) performed at Invitae indicates that this missense variant is not expected to disrupt MTOR protein function. In summary, the available evidence is currently insufficient to determine the role of this variant in disease. Therefore, it has been classified as a Variant of Uncertain Significance.